The following is an entry in ClinVar:

NM_001378183.1(PIEZO2):c.2587A>T (p.Ser863Cys)

Gene: PIEZO2 (piezo type mechanosensitive ion channel component 2; minus strand). Cytogenetic location: 18p11.22.
Variant type: single nucleotide variant.
Coding change: c.2587A>T on transcript NM_001378183.1 (MANE Select); coding-DNA position 2587, A replaced by T.
Protein change: p.Ser863Cys; replaces serine 863 with cysteine.
Molecular consequence: missense variant.
Genome position (GRCh38, 1-based): chr18:10,773,610, T>A on the plus strand (A>T on the coding strand, the complement: PIEZO2 is on the minus strand). VCF-style: chr18-10773610-T-A. GRCh37 (hg19) VCF-style: chr18-10773608-T-A.
Other names: c.2587A>T, p.Ser863Cys (NM_001410871.1); c.2512A>T, p.Ser838Cys (NM_022068.4); short protein forms S838C, S863C.
Identifiers: ClinVar variation 3252460 (VCV003252460.1), dbSNP rs761199576.

ClinVar aggregate classification (germline): Uncertain significance (1 of 4 stars; one submission).

Submission:

GeneDx
Classification: Uncertain significance. Last evaluated: 2023-06-20. Review status: criteria provided, single submitter. Criteria: GeneDx Variant Classification Process June 2021. Collection method: clinical testing. Allele origin: germline. Affected: yes.
Comment: Not observed at significant frequency in large population cohorts (gnomAD); In silico analysis supports that this missense variant does not alter protein structure/function; Has not been previously published as pathogenic or benign to our knowledge